The following is an entry in ClinVar:

Conditions:
Developmental and epileptic encephalopathy. Identifiers: MedGen C5779964, MONDO:0100620.

Submission:

Channelopathy-Associated Epilepsy Research Center
No classification provided (evidence only). Condition: Developmental and epileptic encephalopathy. Review status: no classification provided. Collection method: literature only. Allele origin: not applicable. Functional consequence: Normal peak current, Normal slope of activation, Normal slope of fast inactivation, Normal voltage dependence of activation, Mild depolarizing shift of voltage dependence of fast inactivation, Severe increase in persistent current, Normal fast inactivation, Overall gain-of-function.
ClinVar note: "not provided" was previously submitted as the classification for the variant. However, the classification appeared to be based only on an observation of functional data so it was converted to no classification on 2025-07-30.

Literature cited by the submitters: PubMed 32515017.

NM_006922.4(SCN3A):c.4937T>G (p.Phe1646Cys)

Gene: SCN3A (sodium voltage-gated channel alpha subunit 3; minus strand). Cytogenetic location: 2q24.3.
Variant type: single nucleotide variant.
Coding change: c.4937T>G on transcript NM_006922.4 (MANE Select); coding-DNA position 4937, T replaced by G.
Protein change: p.Phe1646Cys; replaces phenylalanine 1646 with cysteine.
Molecular consequence: missense variant.
Genome position (GRCh38, 1-based): chr2:165,091,216, A>C on the plus strand (T>G on the coding strand, the complement: SCN3A is on the minus strand). VCF-style: chr2-165091216-A-C. GRCh37 (hg19) VCF-style: chr2-165947726-A-C.
Other names: c.4790T>G, p.Phe1597Cys (NM_001081676.2, NM_001081677.2); short protein forms F1597C, F1646C.
Identifiers: ClinVar variation 3067168 (VCV003067168.2), dbSNP rs2105621618, ClinGen allele CA349017954.